The following continues an entry in ClinVar:

NM_000441.2(SLC26A4):c.554G>C (p.Arg185Thr)

Gene: SLC26A4. ClinVar aggregate classification (germline): Likely pathogenic. Likely pathogenic (1).

Submissions 11 to 16 of 16:

Women's Health and Genetics/Laboratory Corporation of America, LabCorp
Classification: Pathogenic for Pendred syndrome. Last evaluated: 2023-04-04. Review status: criteria provided, single submitter. Criteria: LabCorp Variant Classification Summary - May 2015. Collection method: clinical testing. Allele origin: germline. Not counted in ClinVar's aggregate classification.
Comment: Variant summary: SLC26A4 c.554G>C (p.Arg185Thr) results in a non-conservative amino acid change located in the SLC26A/SulP transporter domain (IPR011547) of the encoded protein sequence. Five of five in-silico tools predict a damaging effect of the variant on protein function. The variant allele was found at a frequency of 9.1e-05 in 251456 control chromosomes. This frequency is not significantly higher than estimated for a pathogenic variant in SLC26A4 causing Pendred Syndrome (9.1e-05 vs 0.0035), allowing no conclusion about variant significance. c.554G>C has been reported in the literature in individuals affected with clinical features of Pendred Syndrome (example, Pourova_2010, Cirello_2012, Chattaraj_2013, Lenarduzzi_2019, Batissoco_2022). These data indicate that the variant is likely to be associated with disease. At least one publication reports experimental evidence evaluating an impact on protein function. The most pronounced variant effect results in predominantly intracellular localization and a partial glycosylation defect resulting in impaired chloride and iodide ion transport in-vitro (example, Cirello_2012, Chattaraj_2013). Six clinical diagnostic laboratories have submitted clinical-significance assessments for this variant to ClinVar after 2014 (LP/P, n=5; VUS, n=1). Based on the evidence outlined above, the variant was classified as pathogenic.

Department of Pathology and Laboratory Medicine, Sinai Health System
Classification: Pathogenic for Pendred syndrome; Autosomal recessive nonsyndromic hearing loss 4. Last evaluated: 2022-04-13. Review status: criteria provided, single submitter. Criteria: ACMG Guidelines, 2015. Collection method: research. Allele origin: germline. Not counted in ClinVar's aggregate classification.

Illumina Laboratory Services, Illumina
Classification: Likely pathogenic for SLC26A4-Related Disorders. Last evaluated: 2018-08-15. Review status: criteria provided, single submitter. Criteria: ICSL Variant Classification Criteria 09 May 2019. Collection method: clinical testing. Allele origin: germline. Not counted in ClinVar's aggregate classification.
Comment: The SLC26A4 c.554G>C (p.Arg185Thr) variant is a missense variant that has been reported in a total of three individuals with nonsyndromic hearing loss or Pendred syndrome, including in a compound heterozygous state in one and in a heterozygous state in two (Pourova et al. 2010; Cirello et al. 2012; Chattaraj et al. 2013). One of the heterozygotes was also heterozygous for a missense variant in the FOXI1 gene, which is said to display digenic inheritance with SLC26A4. The p.Arg185Thr variant is reported at a frequency of 0.000180 in the European (non-Finnish) population of the Exome Aggregation Consortium. Functional studies in COS-7 cells, HEK293 phoenix cells and Xenopus oocytes have demonstrated the variant results in a trafficking defect, altered maturation, and reduced function compared to wildtype. Based on the collective evidence, the p.Arg185Thr variant is classified as likely pathogenic for SLC26A4-related disorders. This variant was observed by ICSL as part of a predisposition screen in an ostensibly healthy population.

Laboratory for Molecular Medicine, Mass General Brigham Personalized Medicine
Classification: Pathogenic for Rare genetic deafness. Last evaluated: 2016-01-04. Review status: criteria provided, single submitter. Criteria: LMM Criteria. Collection method: clinical testing. Allele origin: germline. Inheritance: Autosomal recessive inheritance. Observed: 1 variant allele. Not counted in ClinVar's aggregate classification.
Comment: The p.Arg185Thr variant in SLC26A4 has been previously reported in three individ uals with hearing loss and enlarged vestibular aqueducts, including one individu al who was compound heterozygous for a second pathogenic variant in the SLC26A4 gene (Chattaraj 2013, Cirello 2012, Pourova 2010). This variant has been identif ied in 12/66734 (0.02%) of European chromosomes by the Exome Aggregation Consort ium (ExAC; dbSNP rs542620119); however, this fre quency is low enough to be consistent with a recessive carrier frequency. In vit ro functional studies reveal that the variant results in abnormal cellular local ization of the protein and significant reduction in its normal functional activi ty (Cirello 2012, Chattaraj 2013), supporting a deleterious effect for this vari ant. In addition, computational tools and conservation analyses predict that the p.Arg185Thr variant may impact the protein. In summary, this variant meets our criteria to be classified as pathogenic.

Laboratory of Molecular, Cellular and Translation Genetics in Otolaryngology/ Lim32-hcfmusp, University of Sao Paulo School of Medicine Clinics Hospital
Classification: Pathogenic for Pendred syndrome. Review status: criteria provided, single submitter. Criteria: ClinGen HL ACMG Specifications v1. Collection method: research. Allele origin: germline. Inheritance: Autosomal recessive inheritance. Affected: yes. Observed: 1 variant allele, 1 compound heterozygote. Segregation with disease observed. Not counted in ClinVar's aggregate classification.

Counsyl
Classification: Likely pathogenic for Pendred's syndrome. Last evaluated: 2014-07-10. Review status: no assertion criteria provided. Collection method: literature only. Allele origin: unknown. Inheritance: Autosomal recessive inheritance. Not counted in ClinVar's aggregate classification.

Literature cited by the submitters: PubMed 22285650 (cited by 8 submitters); PubMed 20597900 (cited by 6 submitters); PubMed 24051746 (cited by 7 submitters); PubMed 31387071 (cited by 3 submitters); PubMed 34599368 (cited by 5 submitters); PubMed 40121402 (cited by Natera, Inc.); PubMed 34680964 (cited by Clinical Genomics Laboratory, Stanford Medicine).